The following is an entry in ClinVar:

NM_020928.2(ZSWIM6):c.2542G>A (p.Asp848Asn)

Gene: ZSWIM6 (zinc finger SWIM-type containing 6; plus strand). Cytogenetic location: 5q12.1.
Variant type: single nucleotide variant.
Coding change: c.2542G>A on transcript NM_020928.2 (MANE Select); coding-DNA position 2542, G replaced by A.
Protein change: p.Asp848Asn; replaces aspartic acid 848 with asparagine.
Molecular consequence: missense variant.
Genome position (GRCh38, 1-based): chr5:61,539,598, G>A. VCF-style: chr5-61539598-G-A. GRCh37 (hg19) VCF-style: chr5-60835425-G-A.
Other names: short protein forms D848N.
Identifiers: ClinVar variation 2215918 (VCV002215918.5), dbSNP rs200376433, ClinGen allele CA3278459.

ClinVar aggregate classification (germline): Uncertain significance. Review status: criteria provided, multiple submitters, no conflicts (2 of 4 stars). 2 submissions from 2 submitters: Uncertain significance (2). Last evaluated 2025-10-30.

Conditions:
Inborn genetic diseases. Identifiers: MedGen C0950123, MeSH D030342.

Allele frequency attached by ClinVar (database versions not stated): gnomAD exomes 0.00002.
gnomAD v4.1: 25 of 1,549,662 alleles (0.0016%); highest among the groups gnomAD compares: East Asian, 0.012%; no homozygotes.

Submissions (2):

Ambry Genetics
Classification: Uncertain significance for Inborn genetic diseases. Last evaluated: 2025-10-30. Review status: criteria provided, single submitter. Criteria: Ambry Variant Classification Scheme 2023. Collection method: clinical testing. Allele origin: germline.

Labcorp Genetics (formerly Invitae), Labcorp
Classification: Uncertain significance. Last evaluated: 2025-05-07. Review status: criteria provided, single submitter. Criteria: Invitae Variant Classification Sherloc (09022015). Collection method: clinical testing. Allele origin: germline.
Comment: This sequence change replaces aspartic acid, which is acidic and polar, with asparagine, which is neutral and polar, at codon 848 of the ZSWIM6 protein (p.Asp848Asn). This variant is present in population databases (rs200376433, gnomAD 0.004%). This variant has not been reported in the literature in individuals affected with ZSWIM6-related conditions. ClinVar contains an entry for this variant (Variation ID: 2215918). An algorithm developed to predict the effect of missense changes on protein structure and function (PolyPhen-2) suggests that this variant is likely to be disruptive. In summary, the available evidence is currently insufficient to determine the role of this variant in disease. Therefore, it has been classified as a Variant of Uncertain Significance.